The following is an entry in ClinVar:

NC_000016.9:g.(?_77465172)_(77468592_?)dup

Gene: ADAMTS18 (ADAM metallopeptidase with thrombospondin type 1 motif 18; minus strand). Cytogenetic location: 16q23.1.
Variant type: Duplication.
Identifiers: ClinVar variation 1052648 (VCV001052648.4).

ClinVar aggregate classification (germline): Uncertain significance (1 of 4 stars; one submission).

Submission:

Labcorp Genetics (formerly Invitae), Labcorp
Classification: Uncertain significance. Last evaluated: 2020-10-21. Review status: criteria provided, single submitter. Criteria: Invitae Variant Classification Sherloc (09022015). Collection method: clinical testing. Allele origin: germline.
Comment: This variant results in a copy number gain of the genomic region encompassing exons 1-3 of the ADAMTS18 gene, which includes the initiator codon. The 5' end of this event is unknown as it extends beyond the assayed region for this gene and therefore may encompass additional genes. The 3' boundary is likely confined to intron 3 of the ADAMTS18 gene. As the precise location of this event is unknown, it may be in tandem or it may be located elsewhere in the genome. This variant has not been reported in the literature in individuals with ADAMTS18-related conditions. In summary, the available evidence is currently insufficient to determine the role of this variant in disease. Therefore, it has been classified as a Variant of Uncertain Significance.